The following is an entry in ClinVar:

NM_002834.5(PTPN11):c.479G>A (p.Ser160Asn)

Gene: PTPN11 (protein tyrosine phosphatase non-receptor type 11; plus strand). Cytogenetic location: 12q24.13.
Variant type: single nucleotide variant.
Coding change: c.479G>A on transcript NM_002834.5 (MANE Select); coding-DNA position 479, G replaced by A.
Protein change: p.Ser160Asn; replaces serine 160 with asparagine.
Molecular consequence: missense variant.
Genome position (GRCh38, 1-based): chr12:112,453,341, G>A. VCF-style: chr12-112453341-G-A. GRCh37 (hg19) VCF-style: chr12-112891145-G-A.
Other names: c.479G>A, p.Ser160Asn (NM_001330437.2, NM_080601.3); c.476G>A, p.Ser159Asn (NM_001374625.1); short protein forms S160N, S159N.
Identifiers: ClinVar variation 1486687 (VCV001486687.10), dbSNP rs1044076600, ClinGen allele CA243708217.

ClinVar aggregate classification (germline): Uncertain significance. Review status: criteria provided, multiple submitters, no conflicts (2 of 4 stars). 2 submissions from 2 submitters: Uncertain significance (2). Last evaluated 2025-07-28.

Conditions:
RASopathy. Also called: rasopathies; Noonan spectrum disorder. Identifiers: Orphanet 536391, MedGen C5555857, MONDO:0021060.
Cardiovascular phenotype. Identifiers: MedGen CN230736.

Submissions (2):

Labcorp Genetics (formerly Invitae), Labcorp
Classification: Uncertain significance for RASopathy. Last evaluated: 2025-07-28. Review status: criteria provided, single submitter. Criteria: Invitae Variant Classification Sherloc (09022015). Collection method: clinical testing. Allele origin: germline.
Comment: This sequence change replaces serine, which is neutral and polar, with asparagine, which is neutral and polar, at codon 160 of the PTPN11 protein (p.Ser160Asn). This variant is not present in population databases (gnomAD no frequency). This variant has not been reported in the literature in individuals affected with PTPN11-related conditions. ClinVar contains an entry for this variant (Variation ID: 1486687). Invitae Evidence Modeling of protein sequence and biophysical properties (such as structural, functional, and spatial information, amino acid conservation, physicochemical variation, residue mobility, and thermodynamic stability) has been performed for this missense variant. However, the output from this modeling did not meet the statistical confidence thresholds required to predict the impact of this variant on PTPN11 protein function. In summary, the available evidence is currently insufficient to determine the role of this variant in disease. Therefore, it has been classified as a Variant of Uncertain Significance.

Ambry Genetics
Classification: Uncertain significance for Cardiovascular phenotype. Last evaluated: 2020-03-24. Review status: criteria provided, single submitter. Criteria: Ambry Variant Classification Scheme 2023. Collection method: clinical testing. Allele origin: germline.
Comment: The p.S160N variant (also known as c.479G>A), located in coding exon 4 of the PTPN11 gene, results from a G to A substitution at nucleotide position 479. The serine at codon 160 is replaced by asparagine, an amino acid with highly similar properties. This amino acid position is well conserved in available vertebrate species; however, asparagine is the reference amino acid in other vertebrate species. In addition, this alteration is predicted to be tolerated by in silico analysis. Since supporting evidence is limited at this time, the clinical significance of this alteration remains unclear.